The following is an entry in ClinVar:

NM_002591.4(PCK1):c.148GAG[2] (p.Glu52del)

Gene: PCK1 (phosphoenolpyruvate carboxykinase 1; plus strand). Cytogenetic location: 20q13.31.
Variant type: Microsatellite.
Coding change: c.148GAG[2] on transcript NM_002591.4 (MANE Select); two copies in a row of the 3-base unit GAG starting at c.148; the reference has three copies in a row; one copy, 3 bases deleted.
Protein change: p.Glu52del; deletes glutamic acid 52.
Molecular consequence: inframe deletion.
Genome position (GRCh38, 1-based): chr20:57,561,565-57,561,567, GAG deleted; deleting any 3 consecutive bases within chr20:57,561,559-57,561,567 gives the same sequence; the position shown is the placement nearest the transcript's 3' end. VCF-style (leftmost placement, unchanged base first): chr20-57561558-TGAG-T. GRCh37 (hg19) VCF-style: chr20-56136614-TGAG-T.
Other names: short protein forms E52del.
Identifiers: ClinVar variation 2629629 (VCV002629629.1), dbSNP rs1194696584, ClinGen allele CA636606722.
Genomic context (GRCh38, chr20:57,561,558, plus strand): 5'-GTTTCTCGAGAATAACGCTGAGCTGTGTCAGCCTGATCACATCCACATCTGTGACGGCTC[TGAG>T]GAGGAGAATGGGCGGCTTCTGGGCCAGATGGAGGAAGAGGGCATCCTCAGGCGGCTGAAG-3'

ClinVar aggregate classification (germline): Uncertain significance (1 of 4 stars; one submission).

Conditions:
PCK1-related disorder. Also called: PCK1-related condition.

Submission:

PreventionGenetics, part of Exact Sciences
Classification: Uncertain significance for PCK1-related condition. Last evaluated: 2023-02-12. Review status: criteria provided, single submitter. Criteria: ACMG Guidelines, 2015. Collection method: clinical testing. Allele origin: germline.
Comment: The PCK1 c.154_156delGAG variant is predicted to result in an in-frame deletion (p.Glu52del). To our knowledge, this variant has not been reported in the literature. This variant is reported in 0.00088% of alleles in individuals of European (Non-Finnish) descent in gnomAD. At this time, the clinical significance of this variant is uncertain due to the absence of conclusive functional and genetic evidence.